The following is an entry in ClinVar:

NM_003742.4(ABCB11):c.77-17del

Gene: ABCB11 (ATP binding cassette subfamily B member 11; minus strand). Cytogenetic location: 2q31.1.
Variant type: Deletion.
Coding change: c.77-17del on transcript NM_003742.4 (MANE Select); 17 bases into the intron before coding-DNA position 77, one base deleted (A; older notation c.77-17delA).
Molecular consequence: intron variant.
Genome position (GRCh38, 1-based): chr2:169,016,816, T deleted on the plus strand (A on the coding strand, the reverse complement: ABCB11 is on the minus strand). VCF-style (leftmost placement, unchanged base first): chr2-169016815-AT-A. GRCh37 (hg19) VCF-style: chr2-169873325-AT-A.
Other names: p.?; c.77-17del (LRG_1199t1); c.77-17delA (NM_003742.4).
Identifiers: ClinVar variation 420441 (VCV000420441.9), dbSNP rs11568375, ClinGen allele CA1952005.

ClinVar aggregate classification (germline): Benign. Review status: criteria provided, multiple submitters, no conflicts (2 of 4 stars). 5 submissions from 5 submitters: Benign (4). 1 of the submissions does not count toward it. Last evaluated 2026-04-14.

Conditions:
Familial intrahepatic cholestasis. Identifiers: Orphanet 284385, MedGen CN296401, MONDO:0017290.
Progressive familial intrahepatic cholestasis type 2. Identifiers: Orphanet 79304, MedGen C3489789, MONDO:0011156, OMIM 601847.

Allele frequency attached by ClinVar (database versions not stated): gnomAD exomes 0.00187 and 0.00433; ExAC 0.00671; ESP Exome Variant Server 0.01101; TOPMed 0.01185; 1000 Genomes Project 0.01837; 1000 Genomes Project 30x 0.01874; gnomAD 0.01068 and 0.01069.

Submissions (5):

Genomenon, Inc
Classification: Benign for Familial intrahepatic cholestasis. Last evaluated: 2026-04-14. Review status: criteria provided, single submitter. Criteria: Genomenon Sequence Variant Interpretation Standards - Updated. Collection method: curation. Allele origin: germline. Affected: no.
Comment: ABCB11 c.77-17del is a deletion variant located in the acceptor splice region of intron 2. This variant is present at high allele frequency in population databases. In conclusion, we classify ABCB11 c.77-17del as a benign variant.

Labcorp Genetics (formerly Invitae), Labcorp
Classification: Benign. Last evaluated: 2026-02-02. Review status: criteria provided, single submitter. Criteria: Invitae Variant Classification Sherloc (09022015). Collection method: clinical testing. Allele origin: germline.

Mayo Clinic Laboratories, Mayo Clinic
Classification: Benign. Last evaluated: 2021-06-21. Review status: criteria provided, single submitter. Criteria: ACMG Guidelines, 2015. Collection method: clinical testing. Allele origin: germline. Observed: 6 variant alleles.

GeneDx
Classification: Benign. Last evaluated: 2016-03-17. Review status: criteria provided, single submitter. Criteria: GeneDx Variant Classification (06012015). Collection method: clinical testing. Allele origin: germline. Affected: yes.
Comment: This variant is considered likely benign or benign based on one or more of the following criteria: it is a conservative change, it occurs at a poorly conserved position in the protein, it is predicted to be benign by multiple in silico algorithms, and/or has population frequency not consistent with disease.

Natera, Inc.
Classification: Benign for Progressive familial intrahepatic cholestasis type 2. Last evaluated: 2020-09-16. Review status: no assertion criteria provided. Collection method: clinical testing. Allele origin: germline. Not counted in ClinVar's aggregate classification.